The following is an entry in ClinVar:

ClinVar aggregate classification (germline): Uncertain significance (1 of 4 stars; one submission).

Submission:

Labcorp Genetics (formerly Invitae), Labcorp
Classification: Uncertain significance. Last evaluated: 2023-02-14. Review status: criteria provided, single submitter. Criteria: Invitae Variant Classification Sherloc (09022015). Collection method: clinical testing. Allele origin: germline.
Comment: Advanced modeling of protein sequence and biophysical properties (such as structural, functional, and spatial information, amino acid conservation, physicochemical variation, residue mobility, and thermodynamic stability) performed at Invitae indicates that this missense variant is expected to disrupt ATP2C1 protein function. This sequence change replaces arginine, which is basic and polar, with glycine, which is neutral and non-polar, at codon 174 of the ATP2C1 protein (p.Arg174Gly). This variant is not present in population databases (gnomAD no frequency). This missense change has been observed in individual(s) with Hailey-Hailey disease (PMID: 31435946). Algorithms developed to predict the effect of sequence changes on RNA splicing suggest that this variant may create or strengthen a splice site. In summary, the available evidence is currently insufficient to determine the role of this variant in disease. Therefore, it has been classified as a Variant of Uncertain Significance.

Literature cited by the submitters: PubMed 31435946.

NM_001378687.1(ATP2C1):c.520C>G (p.Arg174Gly)

Gene: ATP2C1 (ATPase secretory pathway Ca2+ transporting 1; plus strand). Cytogenetic location: 3q22.1.
Variant type: single nucleotide variant.
Coding change: c.520C>G on transcript NM_001378687.1 (MANE Select); coding-DNA position 520, C replaced by G.
Protein change: p.Arg174Gly; replaces arginine 174 with glycine.
Molecular consequence: missense variant.
Genome position (GRCh38, 1-based): chr3:130,941,688, C>G. VCF-style: chr3-130941688-C-G. GRCh37 (hg19) VCF-style: chr3-130660532-C-G.
Other names: c.520C>G, p.Arg174Gly (NM_001001485.3, NM_001001486.2, NM_001001487.2 and 5 more transcripts); c.622C>G, p.Arg208Gly (NM_001199180.2, NM_001199181.3, NM_001378511.1); c.505C>G, p.Arg169Gly (NM_001199182.2); c.472C>G, p.Arg158Gly (NM_001199183.2, NM_001199184.3, NM_001378514.1); short protein forms R169G, R158G, R174G, R208G.
Identifiers: ClinVar variation 2907343 (VCV002907343.3), dbSNP rs1239353453, ClinGen allele CA354535260.